The following is an entry in ClinVar:

NM_004380.3(CREBBP):c.1741G>A (p.Ala581Thr)

Genes: CREBBP (CREB binding lysine acetyltransferase; minus strand), LOC130058353 (ATAC-STARR-seq lymphoblastoid active region 10333; plus strand). Cytogenetic location: 16p13.3.
Variant type: single nucleotide variant.
Coding change: c.1741G>A on transcript NM_004380.3 (MANE Select); coding-DNA position 1741, G replaced by A.
Protein change: p.Ala581Thr; replaces alanine 581 with threonine.
Molecular consequence: missense variant.
Genome position (GRCh38, 1-based): chr16:3,780,814, C>T on the plus strand (G>A on the coding strand, the complement: CREBBP is on the minus strand). VCF-style: chr16-3780814-C-T. GRCh37 (hg19) VCF-style: chr16-3830815-C-T.
Other names: c.1627G>A, p.Ala543Thr (NM_001079846.1); short protein forms A543T, A581T.
Identifiers: ClinVar variation 3339808 (VCV003339808.2).
Genomic context (GRCh38, chr16:3,780,814, plus strand): 5'-GCAGGTCCTGAGTGACATGTTCGTGCCAGCCTTTCCTTACACCGGTGCTAGAAGGAGGAG[C>T]TGCTGTTGGTATAGTGCTGAGGGTTCCAATGTTACCAGAGTTGGAGCCATCGTTCATCAG-3'
Protein context (NP_004371.2, residues 571-591): IGTLSTIPTA[Ala581Thr]PPSSTGVRKG

ClinVar aggregate classification (germline): Uncertain significance. Review status: criteria provided, multiple submitters, no conflicts (2 of 4 stars). 2 submissions from 2 submitters: Uncertain significance (2). Last evaluated 2024-06-24.

Conditions:
Rubinstein-Taybi syndrome due to CREBBP mutations (RSTS1). Also called: BROAD THUMB-HALLUX SYNDROME; BROAD THUMBS AND GREAT TOES, CHARACTERISTIC FACIES, AND IMPAIRED INTELLECTUAL DEVELOPMENT; CREBBP-Related Rubinstein-Taybi Syndrome; RUBINSTEIN SYNDROME; RUBINSTEIN-TAYBI SYNDROME 1, INCOMPLETE; Rubinstein-Taybi syndrome 1. Identifiers: Orphanet 353277, Orphanet 783, MedGen C4551859, MONDO:0008393, OMIM 180849.
Menke-Hennekam syndrome 1 (MKHK1). Identifiers: MedGen C5193034, MONDO:0020763, OMIM 618332.

gnomAD v4.1: 5 of 1,613,872 alleles (0.00031%); highest among the groups gnomAD compares: Non-Finnish European, 0.00042%; no homozygotes.

Submissions (2):

Women's Health and Genetics/Laboratory Corporation of America, LabCorp
Classification: Uncertain significance. Last evaluated: 2024-06-24. Review status: criteria provided, single submitter. Criteria: LabCorp Variant Classification Summary - May 2015. Collection method: clinical testing. Allele origin: germline.
Comment: Variant summary: CREBBP c.1741G>A (p.Ala581Thr) results in a non-conservative amino acid change in the encoded protein sequence. Three of five in-silico tools predict a benign effect of the variant on protein function. The variant allele was found at a frequency of 4e-06 in 251476 control chromosomes. The available data on variant occurrences in the general population are insufficient to allow any conclusion about variant significance. To our knowledge, no occurrence of c.1741G>A in individuals affected with Rubinstein-Taybi Syndrome and no experimental evidence demonstrating its impact on protein function have been reported. No submitters have cited clinical-significance assessments for this variant to ClinVar. Based on the evidence outlined above, the variant was classified as uncertain significance.

Fulgent Genetics
Classification: Uncertain significance for Rubinstein-Taybi syndrome due to CREBBP mutations; Menke-Hennekam syndrome 1. Last evaluated: 2024-02-20. Review status: criteria provided, single submitter. Criteria: ACMG Guidelines, 2015. Collection method: clinical testing. Allele origin: germline.